The following is an entry in ClinVar:

ClinVar aggregate classification (germline): Likely benign. Review status: criteria provided, multiple submitters, no conflicts (2 of 4 stars). 2 submissions from 2 submitters: Likely benign (2). Last evaluated 2023-05-01.

Conditions:
Wilms tumor 1 (WT1). Also called: Wilms tumor, somatic. Identifiers: Orphanet 654, MedGen CN033288, MONDO:0008679, OMIM 194070.

Submissions (2):

CeGaT Center for Human Genetics Tuebingen
Classification: Likely benign. Last evaluated: 2023-05-01. Review status: criteria provided, single submitter. Criteria: CeGaT Center For Human Genetics Tuebingen Variant Classification Criteria Version 2. Collection method: clinical testing. Allele origin: germline. Affected: yes. Observed: 1 variant allele.
Comment: GPC3: PM2:Supporting, BP4, BP7

Labcorp Genetics (formerly Invitae), Labcorp
Classification: Likely benign for Wilms tumor 1. Last evaluated: 2022-01-27. Review status: criteria provided, single submitter. Criteria: Invitae Variant Classification Sherloc (09022015). Collection method: clinical testing. Allele origin: germline.

NM_004484.4(GPC3):c.687C>T (p.Phe229=)

Gene: GPC3 (glypican 3; minus strand). Cytogenetic location: Xq26.2.
Variant type: single nucleotide variant.
Coding change: c.687C>T on transcript NM_004484.4 (MANE Select); coding-DNA position 687, C replaced by T.
Protein change: p.Phe229=; no amino-acid change (phenylalanine 229 retained).
Molecular consequence: synonymous variant.
Genome position (GRCh38, 1-based): chrX:133,753,827, G>A on the plus strand (C>T on the coding strand, the complement: GPC3 is on the minus strand). VCF-style: chrX-133753827-G-A. GRCh37 (hg19) VCF-style: chrX-132887854-G-A.
Other names: c.687C>T, p.Phe229= (NM_001164617.2); c.639C>T, p.Phe213= (NM_001164618.2); c.525C>T, p.Phe175= (NM_001164619.2).
Identifiers: ClinVar variation 1130440 (VCV001130440.33), dbSNP rs2124480310, ClinGen allele CA518852603.